The following is an entry in ClinVar:

ClinVar aggregate classification (germline): Uncertain significance (1 of 4 stars; one submission).

Conditions:
Progressive familial heart block type IB (PFHB1B). Identifiers: Orphanet 871, MedGen C1970298, MONDO:0011474, OMIM 604559.

Submission:

Labcorp Genetics (formerly Invitae), Labcorp
Classification: Uncertain significance for Progressive familial heart block type IB. Last evaluated: 2025-05-05. Review status: criteria provided, single submitter. Criteria: Invitae Variant Classification Sherloc (09022015). Collection method: clinical testing. Allele origin: germline.
Comment: This sequence change replaces tyrosine, which is neutral and polar, with histidine, which is basic and polar, at codon 227 of the TRPM4 protein (p.Tyr227His). This variant is not present in population databases (gnomAD no frequency). This variant has not been reported in the literature in individuals affected with TRPM4-related conditions. An algorithm developed to predict the effect of missense changes on protein structure and function (PolyPhen-2) suggests that this variant is likely to be tolerated. In summary, the available evidence is currently insufficient to determine the role of this variant in disease. Therefore, it has been classified as a Variant of Uncertain Significance.

NM_017636.4(TRPM4):c.679T>C (p.Tyr227His)

Gene: TRPM4 (transient receptor potential cation channel subfamily M member 4; plus strand). Cytogenetic location: 19q13.33.
Variant type: single nucleotide variant.
Coding change: c.679T>C on transcript NM_017636.4 (MANE Select); coding-DNA position 679, T replaced by C.
Protein change: p.Tyr227His; replaces tyrosine 227 with histidine.
Molecular consequence: missense variant. On other transcripts: 5 prime UTR variant (2).
Genome position (GRCh38, 1-based): chr19:49,168,619, T>C. VCF-style: chr19-49168619-T-C. GRCh37 (hg19) VCF-style: chr19-49671876-T-C.
Other names: c.679T>C, p.Tyr227His (NM_001195227.2); c.334T>C, p.Tyr112His (NM_001321281.2); c.-875T>C (NM_001321282.2); c.157T>C, p.Tyr53His (NM_001321283.2); c.-171T>C (NM_001321285.2); short protein forms Y53H, Y112H, Y227H.
Identifiers: ClinVar variation 4763212 (VCV004763212.1).